The following is an entry in ClinVar:

NM_001042545.2(LTBP4):c.756G>A (p.Trp252Ter)

Genes: LTBP4 (latent transforming growth factor beta binding protein 4; plus strand), LOC130064475 (ATAC-STARR-seq lymphoblastoid silent region 10639; plus strand). Cytogenetic location: 19q13.2.
Variant type: single nucleotide variant.
Coding change: c.756G>A on transcript NM_001042545.2 (MANE Select); coding-DNA position 756, G replaced by A.
Protein change: p.Trp252Ter; replaces tryptophan 252 with a stop codon.
Molecular consequence: nonsense.
Genome position (GRCh38, 1-based): chr19:40,605,794, G>A. VCF-style: chr19-40605794-G-A. GRCh37 (hg19) VCF-style: chr19-41111700-G-A.
Other names: c.957G>A, p.Trp319Ter (NM_001042544.1); c.846G>A, p.Trp282Ter (NM_003573.2); short protein forms W319*, W282*, W252*.
Identifiers: ClinVar variation 1423933 (VCV001423933.6), dbSNP rs2146021496, ClinGen allele CA405934011.

ClinVar aggregate classification (germline): Pathogenic (1 of 4 stars; one submission).

Submission:

Labcorp Genetics (formerly Invitae), Labcorp
Classification: Pathogenic. Last evaluated: 2021-10-25. Review status: criteria provided, single submitter. Criteria: Invitae Variant Classification Sherloc (09022015). Collection method: clinical testing. Allele origin: germline.
Comment: For these reasons, this variant has been classified as Pathogenic. This variant has not been reported in the literature in individuals affected with LTBP4-related conditions. This variant is not present in population databases (gnomAD no frequency). This sequence change creates a premature translational stop signal (p.Trp282*) in the LTBP4 gene. It is expected to result in an absent or disrupted protein product. Loss-of-function variants in LTBP4 are known to be pathogenic (PMID: 19836010, 22829427).

Literature cited by the submitters: PubMed 19836010; PubMed 22829427.